The following is an entry in ClinVar:

NM_018003.4(UACA):c.-10A>G

Genes: UACA (uveal autoantigen with coiled-coil domains and ankyrin repeats; minus strand), LOC130057444 (ATAC-STARR-seq lymphoblastoid silent region 6609; plus strand). Cytogenetic location: 15q23.
Variant type: single nucleotide variant.
Coding change: c.-10A>G on transcript NM_018003.4 (MANE Select); 10 bases upstream of the start codon, A replaced by G.
Molecular consequence: 5 prime UTR variant.
Genome position (GRCh38, 1-based): chr15:70,763,417, T>C on the plus strand (A>G on the coding strand, the complement: UACA is on the minus strand). VCF-style: chr15-70763417-T-C. GRCh37 (hg19) VCF-style: chr15-71055756-T-C.
Identifiers: ClinVar variation 3034788 (VCV003034788.2), dbSNP rs2030901389, ClinGen allele CA2629266004.
Genomic context (GRCh38, chr15:70,763,417, plus strand): 5'-CGCGGGGCCGGGCACGTCCTGCCTCCTCAGGCGGGACTTGAGGCTCTTCATGGCTAACTC[T>C]TGCCTGGCCCCCGCGCGAACCTTAAAGGCTGCGGAGTGCCAGCGCGCAAGGAGTAGACGG-3'

ClinVar aggregate classification (germline): Likely benign (0 of 4 stars; one submission).

Conditions:
UACA-related disorder. Also called: UACA-related condition.

Allele frequency attached by ClinVar (database versions not stated): gnomAD exomes below 0.00001.
gnomAD v4.1: 2 of 1,299,904 alleles (0.00015%); highest among the groups gnomAD compares: Non-Finnish European, 0.0002%; no homozygotes.

Submission:

PreventionGenetics, part of Exact Sciences
Classification: Likely benign for UACA-related condition. Last evaluated: 2019-08-07. Review status: no assertion criteria provided. Collection method: clinical testing. Allele origin: germline.
Comment: This variant is classified as likely benign based on ACMG/AMP sequence variant interpretation guidelines (Richards et al. 2015 PMID: 25741868, with internal and published modifications).